The following is an entry in ClinVar:

NM_000214.3(JAG1):c.50_51insAGGA (p.Leu18fs)

Gene: JAG1 (jagged canonical Notch ligand 1; minus strand). Cytogenetic location: 20p12.2.
Variant type: Insertion.
Coding change: c.50_51insAGGA on transcript NM_000214.3 (MANE Select); coding-DNA positions 50 to 51, AGGA inserted.
Protein change: p.Leu18fs; shifts the reading frame from leucine 18.
Molecular consequence: frameshift variant.
Genome position: GRCh38 VCF-style: chr20-10673480-C-CTCCT. GRCh37 (hg19) VCF-style: chr20-10654128-C-CTCCT.
Other names: p.Leu18Glyfs*56; short protein forms L18fs.
Identifiers: ClinVar variation 4542378 (VCV004542378.1).

ClinVar aggregate classification (germline): Likely pathogenic (1 of 4 stars; one submission).

Submission:

Mayo Clinic Laboratories, Mayo Clinic
Classification: Likely pathogenic. Last evaluated: 2025-10-09. Review status: criteria provided, single submitter. Criteria: ACMG Guidelines, 2015. Collection method: clinical testing. Allele origin: germline. Observed: 1 variant allele.
Comment: PM2_supporting, PVS1